The following is an entry in ClinVar:

ClinVar aggregate classification (germline): Uncertain significance (1 of 4 stars; one submission).

Conditions:
Osteogenesis imperfecta type 8 (OI8). Identifiers: MedGen C1970458, MONDO:0012581, OMIM 610915.

Allele frequency attached by ClinVar (database versions not stated): gnomAD 0.00001; gnomAD exomes 0.00002; ExAC 0.00005.
gnomAD v4.1: 27 of 1,613,706 alleles (0.0017%); highest among the groups gnomAD compares: South Asian, 0.0055%; no homozygotes.

Submission:

Labcorp Genetics (formerly Invitae), Labcorp
Classification: Uncertain significance for Osteogenesis imperfecta type 8. Last evaluated: 2022-02-28. Review status: criteria provided, single submitter. Criteria: Invitae Variant Classification Sherloc (09022015). Collection method: clinical testing. Allele origin: germline.
Comment: This sequence change replaces arginine, which is basic and polar, with tryptophan, which is neutral and slightly polar, at codon 546 of the P3H1 protein (p.Arg546Trp). The frequency data for this variant in the population databases is considered unreliable, as metrics indicate poor data quality at this position in the gnomAD database. This missense change has been observed in individual(s) with autosomal recessive osteogenesis imperfecta (PMID: 29499418). ClinVar contains an entry for this variant (Variation ID: 1011217). Algorithms developed to predict the effect of missense changes on protein structure and function are either unavailable or do not agree on the potential impact of this missense change (SIFT: "Deleterious"; PolyPhen-2: "Probably Damaging"; Align-GVGD: "Class C0"). In summary, the available evidence is currently insufficient to determine the role of this variant in disease. Therefore, it has been classified as a Variant of Uncertain Significance.

Literature cited by the submitters: PubMed 29499418.

NM_022356.4(P3H1):c.1636C>T (p.Arg546Trp)

Gene: P3H1 (prolyl 3-hydroxylase 1; minus strand). Cytogenetic location: 1p34.2.
Variant type: single nucleotide variant.
Coding change: c.1636C>T on transcript NM_022356.4 (MANE Select); coding-DNA position 1636, C replaced by T.
Protein change: p.Arg546Trp; replaces arginine 546 with tryptophan.
Molecular consequence: missense variant.
Genome position (GRCh38, 1-based): chr1:42,750,270, G>A on the plus strand (C>T on the coding strand, the complement: P3H1 is on the minus strand). VCF-style: chr1-42750270-G-A. GRCh37 (hg19) VCF-style: chr1-43215941-G-A.
Other names: c.1636C>T, p.Arg546Trp (NM_001146289.2, NM_001243246.2); short protein forms R546W.
Identifiers: ClinVar variation 1011217 (VCV001011217.6), dbSNP rs779744195, ClinGen allele CA801753.